The following is an entry in ClinVar:

ClinVar aggregate classification (germline): Uncertain significance (1 of 4 stars; one submission).

Conditions:
Dilated cardiomyopathy 1JJ (CMD1JJ). Identifiers: Orphanet 154, MedGen C3808935, MONDO:0014095, OMIM 615235.

Submission:

Labcorp Genetics (formerly Invitae), Labcorp
Classification: Uncertain significance for Dilated cardiomyopathy 1JJ. Last evaluated: 2025-02-05. Review status: criteria provided, single submitter. Criteria: Invitae Variant Classification Sherloc (09022015). Collection method: clinical testing. Allele origin: germline.
Comment: This sequence change replaces phenylalanine, which is neutral and non-polar, with leucine, which is neutral and non-polar, at codon 1657 of the LAMA4 protein (p.Phe1657Leu). This variant is not present in population databases (gnomAD no frequency). This variant has not been reported in the literature in individuals affected with LAMA4-related conditions. ClinVar contains an entry for this variant (Variation ID: 1020761). Invitae Evidence Modeling of protein sequence and biophysical properties (such as structural, functional, and spatial information, amino acid conservation, physicochemical variation, residue mobility, and thermodynamic stability) indicates that this missense variant is not expected to disrupt LAMA4 protein function with a negative predictive value of 80%. In summary, the available evidence is currently insufficient to determine the role of this variant in disease. Therefore, it has been classified as a Variant of Uncertain Significance.

NM_001105206.3(LAMA4):c.4992C>G (p.Phe1664Leu)

Gene: LAMA4 (laminin subunit alpha 4; minus strand). Cytogenetic location: 6q21.
Variant type: single nucleotide variant.
Coding change: c.4992C>G on transcript NM_001105206.3 (MANE Select); coding-DNA position 4992, C replaced by G.
Protein change: p.Phe1664Leu; replaces phenylalanine 1664 with leucine.
Molecular consequence: missense variant.
Genome position (GRCh38, 1-based): chr6:112,115,983, G>C on the plus strand (C>G on the coding strand, the complement: LAMA4 is on the minus strand). VCF-style: chr6-112115983-G-C. GRCh37 (hg19) VCF-style: chr6-112437186-G-C.
Other names: c.4971C>G, p.Phe1657Leu (NM_001105207.3, NM_002290.5); short protein forms F1657L, F1664L.
Identifiers: ClinVar variation 1020761 (VCV001020761.8), dbSNP rs1777994660, ClinGen allele CA365365372.